The following is an entry in ClinVar:

ClinVar aggregate classification (germline): Conflicting classifications of pathogenicity. Review status: criteria provided, conflicting classifications (1 of 4 stars). 3 submissions from 3 submitters: Uncertain significance (1); Likely benign (1). 1 of the submissions does not count toward it. Last evaluated 2023-10-31.

Conditions:
ARID1A-related disorder. Also called: ARID1A-related condition.

Allele frequency attached by ClinVar (database versions not stated): gnomAD exomes 0.00001; TOPMed 0.00002; gnomAD 0.00006.
gnomAD v4.1: 55 of 1,614,008 alleles (0.0034%); highest among the groups gnomAD compares: East Asian, 0.0067%; no homozygotes.

Submissions (3):

Labcorp Genetics (formerly Invitae), Labcorp
Classification: Likely benign. Last evaluated: 2023-10-31. Review status: criteria provided, single submitter. Criteria: Invitae Variant Classification Sherloc (09022015). Collection method: clinical testing. Allele origin: germline.

Eurofins Ntd Llc (ga)
Classification: Uncertain significance. Last evaluated: 2016-07-18. Review status: criteria provided, single submitter. Criteria: EGL Classification Definitions 2015. Collection method: clinical testing. Allele origin: germline. Observed: 1 variant allele, 1 heterozygote.

PreventionGenetics, part of Exact Sciences
Classification: Uncertain significance for ARID1A-related condition. Last evaluated: 2024-08-28. Review status: no assertion criteria provided. Collection method: clinical testing. Allele origin: germline. Not counted in ClinVar's aggregate classification.
Comment: The ARID1A c.1715C>T variant is predicted to result in the amino acid substitution p.Thr572Met. To our knowledge, this variant has not been reported in the literature. This variant is reported in 0.0050% of alleles in individuals of East Asian descent in gnomAD. At this time, the clinical significance of this variant is uncertain due to the absence of conclusive functional and genetic evidence.

NM_006015.6(ARID1A):c.1715C>T (p.Thr572Met)

Gene: ARID1A (AT-rich interaction domain 1A; plus strand). Cytogenetic location: 1p36.11.
Variant type: single nucleotide variant.
Coding change: c.1715C>T on transcript NM_006015.6 (MANE Select); coding-DNA position 1715, C replaced by T.
Protein change: p.Thr572Met; replaces threonine 572 with methionine.
Molecular consequence: missense variant.
Genome position (GRCh38, 1-based): chr1:26,731,516, C>T. VCF-style: chr1-26731516-C-T. GRCh37 (hg19) VCF-style: chr1-27058007-C-T.
Other names: c.1715C>T (NM_006015.4); c.1715C>T, p.Thr572Met (NM_139135.4); short protein forms T572M.
Identifiers: ClinVar variation 289481 (VCV000289481.9), dbSNP rs778345898, ClinGen allele CA706827.